The following is an entry in ClinVar:

NM_017429.3(BCO1):c.75A>T (p.Pro25=)

Gene: BCO1 (beta-carotene oxygenase 1; plus strand). Cytogenetic location: 16q23.2.
Variant type: single nucleotide variant.
Coding change: c.75A>T on transcript NM_017429.3 (MANE Select); coding-DNA position 75, A replaced by T.
Protein change: p.Pro25=; no amino-acid change (proline 25 retained).
Molecular consequence: synonymous variant.
Genome position (GRCh38, 1-based): chr16:81,245,485, A>T. VCF-style: chr16-81245485-A-T. GRCh37 (hg19) VCF-style: chr16-81279090-A-T.
Identifiers: ClinVar variation 3048547 (VCV003048547.3), dbSNP rs78699050, ClinGen allele CA8190600.

ClinVar aggregate classification (germline): Likely benign. Review status: criteria provided, single submitter (1 of 4 stars). 2 submissions from 2 submitters: Likely benign (1). 1 of the submissions does not count toward it. Last evaluated 2023-01-24.

Conditions:
BCO1-related disorder. Also called: BCO1-related condition.

Allele frequency attached by ClinVar (database versions not stated): gnomAD exomes 0.00011; ExAC 0.00036; gnomAD 0.00108; 1000 Genomes Project 30x 0.00109; TOPMed 0.00116; 1000 Genomes Project 0.00120; ESP Exome Variant Server 0.00131.
gnomAD v4.1: 330 of 1,614,238 alleles (0.02%); highest among the groups gnomAD compares: African/African-American, 0.41%; 1 homozygote.

Submissions (2):

Blueprint Genetics
Classification: Likely benign. Last evaluated: 2023-01-24. Review status: criteria provided, single submitter. Criteria: ACMG Guidelines, 2015. Collection method: clinical testing. Allele origin: germline.

PreventionGenetics, part of Exact Sciences
Classification: Likely benign for BCO1-related condition. Last evaluated: 2019-12-03. Review status: no assertion criteria provided. Collection method: clinical testing. Allele origin: germline. Not counted in ClinVar's aggregate classification.
Comment: This variant is classified as likely benign based on ACMG/AMP sequence variant interpretation guidelines (Richards et al. 2015 PMID: 25741868, with internal and published modifications).